The following is an entry in ClinVar:

ClinVar aggregate classification (germline): Uncertain significance (1 of 4 stars; one submission).

gnomAD v4.1: 1 of 1,472,068 alleles (0.000068%); highest among the groups gnomAD compares: South Asian, 0.0013%; no homozygotes.

Submission:

Mayo Clinic Laboratories, Mayo Clinic
Classification: Uncertain significance. Last evaluated: 2025-04-09. Review status: criteria provided, single submitter. Criteria: ACMG Guidelines, 2015. Collection method: clinical testing. Allele origin: germline. Observed: 1 variant allele.
Comment: PM2_supporting

NM_001953.5(TYMP):c.1281G>A (p.Val427=)

Genes: SCO2 (synthesis of cytochrome C oxidase 2; minus strand), TYMP (thymidine phosphorylase; minus strand), LOC130067862 (ATAC-STARR-seq lymphoblastoid silent region 13986; plus strand). Cytogenetic location: 22q13.33.
Variant type: single nucleotide variant.
Coding change: c.1281G>A on transcript NM_001953.5 (MANE Select); coding-DNA position 1281, G replaced by A.
Protein change: p.Val427=; no amino-acid change (valine 427 retained).
Molecular consequence: synonymous variant. On other transcripts: 5 prime UTR variant (1), intron variant (1).
Genome position (GRCh38, 1-based): chr22:50,526,020, C>T on the plus strand (G>A on the coding strand, the complement: TYMP is on the minus strand). VCF-style: chr22-50526020-C-T. GRCh37 (hg19) VCF-style: chr22-50964449-C-T.
Other names: p.Val427=; c.1281G>A, p.Val427= (NM_001113755.3, NM_001113756.3, NM_001257988.1); c.1296G>A, p.Val432= (NM_001257989.1); c.-33G>A (NM_001169110.1); c.-14+226G>A (NM_001169109.2).
Identifiers: ClinVar variation 4542471 (VCV004542471.1).